The following is an entry in ClinVar:

ClinVar aggregate classification (germline): Uncertain significance (1 of 4 stars; one submission).

Conditions:
Cardiomyopathy (CMYO). Also called: Cardiomyopathies. Identifiers: Orphanet 167848, MedGen C0878544, MONDO:0004994, HP:0001638. Inheritance: Various modes of inheritance.

Submission:

All of Us Research Program, National Institutes of Health
Classification: Uncertain significance for Cardiomyopathy. Last evaluated: 2023-06-26. Review status: criteria provided, single submitter. Criteria: ACMG Guidelines, 2015. Collection method: clinical testing. Allele origin: germline. Inheritance: Autosomal dominant inheritance. Observed: 1 variant allele, 1 heterozygote.
Comment: This missense variant replaces isoleucine with valine at codon 1572 of the MYH7 protein. Computational prediction suggests that this variant may not impact protein structure and function (internally defined REVEL score threshold <= 0.5, PMID: 27666373). To our knowledge, functional studies have not been reported for this variant. This variant has not been reported in individuals affected with MYH7-related disorders in the literature. This variant has not been identified in the general population by the Genome Aggregation Database (gnomAD). The available evidence is insufficient to determine the role of this variant in disease conclusively. Therefore, this variant is classified as a Variant of Uncertain Significance.

This study involves interpretation of variants in research participants for the purpose of population health screening. Participant phenotype was not available at the time of variant classification. Additional details can be found in publication PMID: 35346344, PMCID: PMC8962531

NM_000257.4(MYH7):c.4714A>G (p.Ile1572Val)

Genes: MHRT (myosin heavy chain associated RNA transcript; plus strand), MYH7 (myosin heavy chain 7; minus strand), LOC126861897 (BRD4-independent group 4 enhancer GRCh37_chr14:23884455-23885654; plus strand). Cytogenetic location: 14q11.2.
Variant type: single nucleotide variant.
Coding change: c.4714A>G on transcript NM_000257.4 (MANE Select); coding-DNA position 4714, A replaced by G.
Protein change: p.Ile1572Val; replaces isoleucine 1572 with valine.
Molecular consequence: missense variant. On other transcripts: non-coding transcript variant (1).
Genome position (GRCh38, 1-based): chr14:23,416,243, T>C on the plus strand (A>G on the coding strand, the complement: MYH7 is on the minus strand). VCF-style: chr14-23416243-T-C. GRCh37 (hg19) VCF-style: chr14-23885452-T-C.
Other names: c.4714A>G, p.Ile1572Val (NM_001407004.1); short protein forms I1572V.
Identifiers: ClinVar variation 3072165 (VCV003072165.1), dbSNP rs2502245562, ClinGen allele CA389037796.